The following is an entry in ClinVar:

NM_001109878.2(TBX22):c.863+1G>T

Gene: TBX22 (T-box transcription factor 22). Cytogenetic location: Xq21.1.
Variant type: single nucleotide variant.
Coding change: c.863+1G>T on transcript NM_001109878.2 (MANE Select); the canonical splice donor site of the intron after coding-DNA position 863, G replaced by T.
Molecular consequence: splice donor variant.
Genome position (GRCh38, 1-based): chrX:80,027,321, G>T. VCF-style: chrX-80027321-G-T. GRCh37 (hg19) VCF-style: chrX-79282820-G-T.
Other names: c.503+1G>T (NM_001109879.2, NM_001303475.1); c.863+1G>T (NM_016954.2).
Identifiers: ClinVar variation 5007610 (VCV005007610.2).
Genomic context (GRCh38, chrX:80,027,321, plus strand): 5'-GAAACTAAAAATAGAAAGAAATCCTTTTGCTAAAGGATTTAGAGATACTGGAAGAAACAG[G>T]TAAGCAGCATAGCAATGACATCTAATATTGATGTAGCTAGCTATTTTCACAAGTTTTTTT-3'

ClinVar aggregate classification (germline): Likely pathogenic (1 of 4 stars; one submission).

Conditions:
Abruzzo-Erickson syndrome. Also called: CHARGE like syndrome X-linked. Identifiers: Orphanet 921, MedGen C1844862, MONDO:0010554, OMIM 302905.
Cleft palate with or without ankyloglossia, X-linked. Identifiers: Orphanet 324601, MedGen C1844830, MONDO:0010560, OMIM 303400.

Submission:

Juno Genomics, Hangzhou Juno Genomics, Inc
Classification: Likely pathogenic for Abruzzo-Erickson syndrome; Cleft palate with or without ankyloglossia, X-linked. Review status: criteria provided, single submitter. Criteria: ACMG Guidelines, 2015. Collection method: clinical testing. Allele origin: germline.
Comment: Null variant in a gene where loss of function (LOF) is a known mechanism of disease.;Absent from controls (or at extremely low frequency if recessive) in Genome Aggregation Database.